The following is an entry in ClinVar:

NM_000059.4(BRCA2):c.5010T>G (p.Ala1670=)

Gene: BRCA2 (BRCA2 DNA repair associated; plus strand). Cytogenetic location: 13q13.1.
Variant type: single nucleotide variant.
Coding change: c.5010T>G on transcript NM_000059.4 (MANE Select); coding-DNA position 5010, T replaced by G.
Protein change: p.Ala1670=; no amino-acid change (alanine 1670 retained).
Molecular consequence: synonymous variant.
Genome position (GRCh38, 1-based): chr13:32,339,365, T>G. VCF-style: chr13-32339365-T-G. GRCh37 (hg19) VCF-style: chr13-32913502-T-G.
Identifiers: ClinVar variation 383553 (VCV000383553.3), dbSNP rs1057521665, ClinGen allele CA16606792.
Genomic context (GRCh38, chr13:32,339,365, plus strand): 5'-TCCTGCAACTTGTTACACAAATCAGTCCCCTTATTCAGTCATTGAAAATTCAGCCTTAGC[T>G]TTTTACACAAGTTGTAGTAGAAAAACTTCTGTGAGTCAGACTTCATTACTTGAAGCAAAA-3'
Protein context (NP_000050.3, residues 1660-1680): PYSVIENSAL[Ala1670=]FYTSCSRKTS

ClinVar aggregate classification (germline): Likely benign. Review status: criteria provided, multiple submitters, no conflicts (2 of 4 stars). 3 submissions from 3 submitters: Likely benign (3). Last evaluated 2024-04-29.

Conditions:
Hereditary cancer-predisposing syndrome. Also called: Hereditary Cancer Syndrome; Hereditary neoplastic syndrome; Neoplastic Syndromes, Hereditary; Tumor predisposition. Identifiers: Orphanet 140162, MedGen C0027672, MeSH D009386, MONDO:0015356.

Submissions (3):

Color Diagnostics, LLC DBA Color Health
Classification: Likely benign for Hereditary cancer-predisposing syndrome. Last evaluated: 2024-04-29. Review status: criteria provided, single submitter. Criteria: ACMG Guidelines, 2015. Collection method: clinical testing. Allele origin: germline.

Ambry Genetics
Classification: Likely benign for Hereditary cancer-predisposing syndrome. Last evaluated: 2024-03-01. Review status: criteria provided, single submitter. Criteria: Ambry Variant Classification Scheme 2023. Collection method: clinical testing. Allele origin: germline.

GeneDx
Classification: Likely benign. Last evaluated: 2016-02-08. Review status: criteria provided, single submitter. Criteria: GeneDx Variant Classification (06012015). Collection method: clinical testing. Allele origin: germline. Affected: yes.
Comment: This variant is considered likely benign or benign based on one or more of the following criteria: it is a conservative change, it occurs at a poorly conserved position in the protein, it is predicted to be benign by multiple in silico algorithms, and/or has population frequency not consistent with disease.